The following is an entry in ClinVar:

NM_001041.4(SI):c.3560C>T (p.Thr1187Ile)

Gene: SI (sucrase-isomaltase; minus strand). Cytogenetic location: 3q26.1.
Variant type: single nucleotide variant.
Coding change: c.3560C>T on transcript NM_001041.4 (MANE Select); coding-DNA position 3560, C replaced by T.
Protein change: p.Thr1187Ile; replaces threonine 1187 with isoleucine.
Molecular consequence: missense variant.
Genome position (GRCh38, 1-based): chr3:165,017,834, G>A on the plus strand (C>T on the coding strand, the complement: SI is on the minus strand). VCF-style: chr3-165017834-G-A. GRCh37 (hg19) VCF-style: chr3-164735622-G-A.
Other names: c.3560C>T (NM_001041.3); short protein forms T1187I.
Identifiers: ClinVar variation 2419569 (VCV002419569.4), dbSNP rs185479515, ClinGen allele CA2690219.

ClinVar aggregate classification (germline): Conflicting classifications of pathogenicity. Review status: criteria provided, conflicting classifications (1 of 4 stars). 2 submissions from 2 submitters: Uncertain significance (1); Likely benign (1). Last evaluated 2023-11-21.

Conditions:
Inborn genetic diseases. Identifiers: MedGen C0950123, MeSH D030342.

Allele frequency attached by ClinVar (database versions not stated): ExAC 0.00001; gnomAD exomes 0.00001; gnomAD 0.00005; TOPMed 0.00010; 1000 Genomes Project 0.00020; 1000 Genomes Project 30x 0.00031.
gnomAD v4.1: 13 of 1,613,012 alleles (0.00081%); highest among the groups gnomAD compares: Admixed American, 0.017%; no homozygotes.

Submissions (2):

Ambry Genetics
Classification: Likely benign for Inborn genetic diseases. Last evaluated: 2023-11-21. Review status: criteria provided, single submitter. Criteria: Ambry Variant Classification Scheme 2023. Collection method: clinical testing. Allele origin: germline.

Labcorp Genetics (formerly Invitae), Labcorp
Classification: Uncertain significance. Last evaluated: 2022-05-31. Review status: criteria provided, single submitter. Criteria: Invitae Variant Classification Sherloc (09022015). Collection method: clinical testing. Allele origin: germline.
Comment: This sequence change replaces threonine, which is neutral and polar, with isoleucine, which is neutral and non-polar, at codon 1187 of the SI protein (p.Thr1187Ile). This variant is present in population databases (rs185479515, gnomAD 0.009%). This variant has not been reported in the literature in individuals affected with SI-related conditions. Algorithms developed to predict the effect of missense changes on protein structure and function output the following: SIFT: "Deleterious"; PolyPhen-2: "Benign"; Align-GVGD: "Class C0". The isoleucine amino acid residue is found in multiple mammalian species, which suggests that this missense change does not adversely affect protein function. Algorithms developed to predict the effect of sequence changes on RNA splicing suggest that this variant may disrupt the consensus splice site. In summary, the available evidence is currently insufficient to determine the role of this variant in disease. Therefore, it has been classified as a Variant of Uncertain Significance.